The following is an entry in ClinVar:

ClinVar aggregate classification (germline): Conflicting classifications of pathogenicity. Review status: criteria provided, conflicting classifications (1 of 4 stars). 10 submissions from 9 submitters: Uncertain significance (9); Benign (1). Last evaluated 2026-02-04.

Conditions:
Familial meningioma. Also called: Meningioma, familial, susceptibility to. Identifiers: Orphanet 263662, MedGen C3551915, MONDO:0011789, OMIM 607174.
Gorlin syndrome. Also called: Basal cell nevus syndrome; Nevoid Basal Cell Carcinoma Syndrome. Identifiers: Orphanet 377, MedGen C0004779, MONDO:0007187.
Joubert syndrome 32 (JBTS32). Identifiers: MedGen C4540342, MONDO:0033309, OMIM 617757.
Medulloblastoma (MDB). Also called: Medulloblastoma, somatic; MEDULLOBLASTOMA PREDISPOSITION SYNDROME. Identifiers: Orphanet 616, MedGen C0025149, MeSH D008527, MONDO:0007959, OMIM 155255, HP:0002885.
Hereditary cancer-predisposing syndrome. Also called: Hereditary Cancer Syndrome; Hereditary neoplastic syndrome; Tumor predisposition; Neoplastic Syndromes, Hereditary. Identifiers: Orphanet 140162, MedGen C0027672, MeSH D009386, MONDO:0015356.

Allele frequency attached by ClinVar (database versions not stated): gnomAD 0.00001; ExAC 0.00002; gnomAD exomes 0.00004 and 0.00005; TOPMed 0.00006.
gnomAD v4.1: 63 of 1,613,960 alleles (0.0039%); highest among the groups gnomAD compares: Admixed American, 0.023%; no homozygotes.

Submissions (10):

Labcorp Genetics (formerly Invitae), Labcorp
Classification: Uncertain significance for Gorlin syndrome; Medulloblastoma. Last evaluated: 2026-02-04. Review status: criteria provided, single submitter. Criteria: Invitae Variant Classification Sherloc (09022015). Collection method: clinical testing. Allele origin: germline.
Comment: This sequence change replaces lysine, which is basic and polar, with arginine, which is basic and polar, at codon 460 of the SUFU protein (p.Lys460Arg). This variant is present in population databases (rs778125780, gnomAD 0.03%). This variant has not been reported in the literature in individuals affected with SUFU-related conditions. ClinVar contains an entry for this variant (Variation ID: 453960). Invitae Evidence Modeling of protein sequence and biophysical properties (such as structural, functional, and spatial information, amino acid conservation, physicochemical variation, residue mobility, and thermodynamic stability) indicates that this missense variant is not expected to disrupt SUFU protein function with a negative predictive value of 80%. Experimental studies have shown that this missense change affects SUFU function (PMID: 29654263). RNA analysis performed to evaluate the impact of this missense change on mRNA splicing indicates it does not significantly alter splicing (internal data). In summary, the available evidence is currently insufficient to determine the role of this variant in disease. Therefore, it has been classified as a Variant of Uncertain Significance.

Center for Genomic Medicine, Rigshospitalet, Copenhagen University Hospital
Classification: Uncertain significance. Last evaluated: 2025-12-29. Review status: criteria provided, single submitter. Criteria: ACMG Guidelines, 2015. Collection method: clinical testing. Allele origin: germline.

Quest Diagnostics Nichols Institute San Juan Capistrano
Classification: Uncertain significance. Last evaluated: 2025-01-23. Review status: criteria provided, single submitter. Criteria: Quest Diagnostics criteria. Collection method: clinical testing. Allele origin: unknown.
Comment: The SUFU c.1379A>G (p.Lys460Arg) variant has not been reported in individuals with SUFU-related conditions in the published literature. However, an experimental study suggested that this variant alters SUFU protein function (PMID: 29654263 (2018)). The frequency of this variant in the general population (Genome Aggregation Database) is higher than would generally be expected for pathogenic variants in this gene. Analysis of this variant using bioinformatics tools for the prediction of the effect of amino acid changes on protein structure and function yielded predictions that this variant is benign. Based on the available information, we are unable to determine the clinical significance of this variant.

Baylor Genetics
Classification: Uncertain significance for Familial meningioma. Last evaluated: 2024-03-29. Review status: criteria provided, single submitter. Criteria: ACMG Guidelines, 2015. Collection method: clinical testing. Allele origin: unknown.

Ambry Genetics
Classification: Benign for Hereditary cancer-predisposing syndrome. Last evaluated: 2023-08-29. Review status: criteria provided, single submitter. Criteria: Ambry Variant Classification Scheme 2023. Collection method: clinical testing. Allele origin: germline.

St. Jude Molecular Pathology, St. Jude Children's Research Hospital
Classification: Uncertain significance for Basal cell nevus syndrome 1. Last evaluated: 2022-09-09. Review status: criteria provided, single submitter. Criteria: St. Jude Assertion Criteria 2020. Collection method: clinical testing. Allele origin: germline.
Comment: The SUFU c.1379A>G (p.Lys460Arg) missense change has a maximum subpopulation frequency of 0.026% in gnomAD v2.1.1. The in silico tool REVEL predicts a benign effect on protein function. Transduction of a cell line with this variant led to an increase in Hedgehog pathway activity as compared to the wild-type, suggesting that this variant may have dominant-negative activity and can interfere with function of the wild-type protein (PMID: 29654263). To our knowledge, this variant has not been reported in individuals with nevoid basal cell carcinoma syndrome. In summary, the evidence currently available is insufficient to determine the clinical significance of this variant. It has therefore been classified as of uncertain significance.

Sema4
Classification: Uncertain significance for Hereditary cancer-predisposing syndrome. Last evaluated: 2022-02-27. Review status: criteria provided, single submitter. Criteria: Sema4 Curation Guidelines. Collection method: curation. Allele origin: germline.
Comment: The SUFU c.1379A>G (p.K460R) variant has not been reported in individuals with SUFU-related disease to our knowledge. It was observed in 9/34592 chromosomes of the Latino subpopulation in the large and broad cohorts of the Genome Aggregation Database (PMID: 32461654). The variant has been reported in ClinVar (Variation ID 453960). In silico tools suggest the impact of the variant on protein function is inconclusive and functional studies have shown that this variant alters the protein function (PMID: 29654263). The evidence is insufficient to meet ACMG/AMP criteria for classifying the variant as benign or pathogenic. Thus, the clinical significance of this variant is currently uncertain.

Revvity Omics, Revvity
Classification: Uncertain significance. Last evaluated: 2019-05-31. Review status: criteria provided, single submitter. Criteria: ACMG Guidelines, 2015. Collection method: clinical testing. Allele origin: germline.

Baylor Genetics
Classification: Uncertain significance for Basal cell nevus syndrome 1. Last evaluated: 2018-12-17. Review status: criteria provided, single submitter. Criteria: ACMG Guidelines, 2015. Collection method: clinical testing. Allele origin: maternal. Affected: yes. Study: CSER-TexasKidsCanSeq.
Comment: This variant was determined to be of uncertain significance according to ACMG Guidelines, 2015 [PMID:25741868].

Fulgent Genetics
Classification: Uncertain significance for Basal cell nevus syndrome 1; Medulloblastoma; Familial meningioma; Joubert syndrome 32. Last evaluated: 2018-10-31. Review status: criteria provided, single submitter. Criteria: ACMG Guidelines, 2015. Collection method: clinical testing. Allele origin: unknown.

Literature cited by the submitters: PubMed 29654263 (cited by 4 submitters).

NM_016169.4(SUFU):c.1379A>G (p.Lys460Arg)

Gene: SUFU (SUFU negative regulator of hedgehog signaling; plus strand). Cytogenetic location: 10q24.32.
Variant type: single nucleotide variant.
Coding change: c.1379A>G on transcript NM_016169.4 (MANE Select); coding-DNA position 1379, A replaced by G.
Protein change: p.Lys460Arg; replaces lysine 460 with arginine.
Molecular consequence: missense variant.
Genome position (GRCh38, 1-based): chr10:102,630,079, A>G. VCF-style: chr10-102630079-A-G. GRCh37 (hg19) VCF-style: chr10-104389836-A-G.
Other names: short protein forms K460R.
Identifiers: ClinVar variation 453960 (VCV000453960.25), dbSNP rs778125780, ClinGen allele CA5668000.